The following is an entry in ClinVar:

NM_006445.4(PRPF8):c.5806C>G (p.Leu1936Val)

Gene: PRPF8 (pre-mRNA processing factor 8; minus strand). Cytogenetic location: 17p13.3.
Variant type: single nucleotide variant.
Coding change: c.5806C>G on transcript NM_006445.4 (MANE Select); coding-DNA position 5806, C replaced by G.
Protein change: p.Leu1936Val; replaces leucine 1936 with valine.
Molecular consequence: missense variant.
Genome position (GRCh38, 1-based): chr17:1,655,531, G>C on the plus strand (C>G on the coding strand, the complement: PRPF8 is on the minus strand). VCF-style: chr17-1655531-G-C. GRCh37 (hg19) VCF-style: chr17-1558825-G-C.
Other names: short protein forms L1936V.
Identifiers: ClinVar variation 2051965 (VCV002051965.4), dbSNP rs2543721360, ClinGen allele CA397569797.

ClinVar aggregate classification (germline): Uncertain significance (1 of 4 stars; one submission).

Submission:

Labcorp Genetics (formerly Invitae), Labcorp
Classification: Uncertain significance. Last evaluated: 2021-12-21. Review status: criteria provided, single submitter. Criteria: Invitae Variant Classification Sherloc (09022015). Collection method: clinical testing. Allele origin: germline.
Comment: In summary, the available evidence is currently insufficient to determine the role of this variant in disease. Therefore, it has been classified as a Variant of Uncertain Significance. Algorithms developed to predict the effect of missense changes on protein structure and function (SIFT, PolyPhen-2, Align-GVGD) all suggest that this variant is likely to be tolerated. This variant has not been reported in the literature in individuals affected with PRPF8-related conditions. This variant is not present in population databases (gnomAD no frequency). This sequence change replaces leucine, which is neutral and non-polar, with valine, which is neutral and non-polar, at codon 1936 of the PRPF8 protein (p.Leu1936Val).